The following is an entry in ClinVar:

ClinVar aggregate classification (germline): Uncertain significance (1 of 4 stars; one submission).

Allele frequency attached by ClinVar (database versions not stated): TOPMed below 0.00001; gnomAD 0.00001.
gnomAD v4.1: 1 of 1,614,056 alleles (0.000062%); highest among the groups gnomAD compares: Admixed American, 0.0017%; no homozygotes.

Submission:

Labcorp Genetics (formerly Invitae), Labcorp
Classification: Uncertain significance. Last evaluated: 2023-05-26. Review status: criteria provided, single submitter. Criteria: Invitae Variant Classification Sherloc (09022015). Collection method: clinical testing. Allele origin: germline.
Comment: In summary, the available evidence is currently insufficient to determine the role of this variant in disease. Therefore, it has been classified as a Variant of Uncertain Significance. Advanced modeling of protein sequence and biophysical properties (such as structural, functional, and spatial information, amino acid conservation, physicochemical variation, residue mobility, and thermodynamic stability) performed at Invitae indicates that this missense variant is not expected to disrupt ALPK1 protein function. This variant has not been reported in the literature in individuals affected with ALPK1-related conditions. This variant is present in population databases (no rsID available, gnomAD 0.1%). This sequence change replaces asparagine, which is neutral and polar, with aspartic acid, which is acidic and polar, at codon 678 of the ALPK1 protein (p.Asn678Asp).

NM_025144.4(ALPK1):c.2032A>G (p.Asn678Asp)

Gene: ALPK1 (alpha kinase 1; plus strand). Cytogenetic location: 4q25.
Variant type: single nucleotide variant.
Coding change: c.2032A>G on transcript NM_025144.4 (MANE Select); coding-DNA position 2032, A replaced by G.
Protein change: p.Asn678Asp; replaces asparagine 678 with aspartic acid.
Molecular consequence: missense variant.
Genome position (GRCh38, 1-based): chr4:112,431,579, A>G. VCF-style: chr4-112431579-A-G. GRCh37 (hg19) VCF-style: chr4-113352735-A-G.
Other names: c.2032A>G, p.Asn678Asp (NM_001102406.2); c.1798A>G, p.Asn600Asp (NM_001253884.2); short protein forms N678D, N600D.
Identifiers: ClinVar variation 3010885 (VCV003010885.3), dbSNP rs1402369957, ClinGen allele CA357896658.